The following is an entry in ClinVar:

ClinVar aggregate classification (germline): Pathogenic/Likely pathogenic. Review status: criteria provided, multiple submitters, no conflicts (2 of 4 stars). 6 submissions from 6 submitters: Pathogenic (3); Likely pathogenic (3). Last evaluated 2025-03-17.

Conditions:
Propionic acidemia (PROP). Also called: GLYCINEMIA, KETOTIC; HYPERGLYCINEMIA WITH KETOACIDOSIS AND LEUKOPENIA; KETOTIC HYPERGLYCINEMIA. Identifiers: Orphanet 35, MedGen C0268579, MONDO:0011628, OMIM 606054, HP:0003571.

Allele frequency attached by ClinVar (database versions not stated): gnomAD 0.00003.
gnomAD v4.1: 9 of 1,610,848 alleles (0.00056%); highest among the groups gnomAD compares: Non-Finnish European, 0.00076%; no homozygotes.

Submissions (6):

Labcorp Genetics (formerly Invitae), Labcorp
Classification: Pathogenic for Propionic acidemia. Last evaluated: 2025-03-17. Review status: criteria provided, single submitter. Criteria: Invitae Variant Classification Sherloc (09022015). Collection method: clinical testing. Allele origin: germline.
Comment: This sequence change affects a donor splice site in intron 13 of the PCCB gene. It is expected to disrupt RNA splicing. Variants that disrupt the donor or acceptor splice site typically lead to a loss of protein function (PMID: 16199547), and loss-of-function variants in PCCB are known to be pathogenic (PMID: 15464417). This variant is not present in population databases (gnomAD no frequency). Disruption of this splice site has been observed in individual(s) with propionic acidemia (PMID: 8023851). This variant is also known as IVS?+1G>T. ClinVar contains an entry for this variant (Variation ID: 194181). Algorithms developed to predict the effect of sequence changes on RNA splicing suggest that this variant may disrupt the consensus splice site. For these reasons, this variant has been classified as Pathogenic.

Natera, Inc.
Classification: Likely pathogenic for Propionic acidemia. Last evaluated: 2024-08-29. Review status: criteria provided, single submitter. Criteria: Natera Variant Classification Schema (03/2026). Collection method: clinical testing. Allele origin: germline.
Comment: The c.1398+1G>T variant in PCCB is a canonical splice donor site variant predicted to affect pre-mRNA splicing, which may result in an abnormal transcript and altered protein product. This variant is expected to result in nonsense mediated decay, truncation, or a dysfunctional protein product. This variant is rare in the general population with a frequency below the threshold expected for the associated phenotype(s). Given the available evidence, this variant is classified as Likely Pathogenic.

Baylor Genetics
Classification: Pathogenic for Propionic acidemia. Last evaluated: 2023-11-09. Review status: criteria provided, single submitter. Criteria: ACMG Guidelines, 2015. Collection method: clinical testing. Allele origin: unknown.

Women's Health and Genetics/Laboratory Corporation of America, LabCorp
Classification: Likely pathogenic for Propionic acidemia. Last evaluated: 2022-11-14. Review status: criteria provided, single submitter. Criteria: LabCorp Variant Classification Summary - May 2015. Collection method: clinical testing. Allele origin: germline.
Comment: Variant summary: PCCB c.1398+1G>T is located in a canonical splice-site and is predicted to affect mRNA splicing resulting in a significantly altered protein due to either exon skipping, shortening, or inclusion of intronic material. Several computational tools predict a significant impact on normal splicing: Four predict the variant abolishes the canonical 5' splicing donor site. The variant was absent in 251308 control chromosomes (gnomAD). c.1398+1G>T has been reported in the literature in individuals affected with Propionic Acidemia (example: Gravel_1994 and Yang_2020). These data indicate that the variant may be associated with disease. Four clinical diagnostic laboratories have submitted clinical-significance assessments for this variant to ClinVar after 2014 and all classified the variant as pathogenic and likely pathogenic. Based on the evidence outlined above, the variant was classified as likely pathogenic.

Myriad Genetics, Inc.
Classification: Likely pathogenic for Propionic acidemia. Last evaluated: 2021-11-11. Review status: criteria provided, single submitter. Criteria: Myriad Women's Health Autosomal Recessive and X-Linked Classification Criteria (2021). Collection method: clinical testing. Allele origin: unknown.
Comment: NM_000532.4(PCCB):c.1398+1G>T is a canonical splice variant classified as likely pathogenic in the context of PCCB-related propionic acidemia. c.1398+1G>T has been observed in cases with relevant disease (PMID: 8023851). Functional assessments of this variant are available in the literature (PMID: 8023851). Internal structural analysis of the variant is supportive of pathogenicity. c.1398+1G>T has not been observed in population frequency databases. In summary, NM_000532.4(PCCB):c.1398+1G>T is a canonical splice variant that has internal structural support for pathogenicity and has been observed more frequently in cases with the relevant disease than in healthy populations. Please note: this variant was assessed in the context of healthy population screening.

Eurofins Ntd Llc (ga)
Classification: Pathogenic. Last evaluated: 2014-12-02. Review status: criteria provided, single submitter. Criteria: EGL Classification Definitions 2015. Collection method: clinical testing. Allele origin: germline. Observed: 1 variant allele, 1 heterozygote.

Literature cited by the submitters: PubMed 16199547 (cited by Labcorp Genetics (formerly Invitae), Labcorp); PubMed 15464417 (cited by Labcorp Genetics (formerly Invitae), Labcorp); PubMed 8023851 (cited by 3 submitters); PubMed 32252659 (cited by Women's Health and Genetics/Laboratory Corporation of America, LabCorp).

NM_000532.5(PCCB):c.1398+1G>T

Gene: PCCB (propionyl-CoA carboxylase subunit beta; plus strand). Cytogenetic location: 3q22.3.
Variant type: single nucleotide variant.
Coding change: c.1398+1G>T on transcript NM_000532.5 (MANE Select); the canonical splice donor site of the intron after coding-DNA position 1398, G replaced by T.
Molecular consequence: splice donor variant.
Genome position (GRCh38, 1-based): chr3:136,327,733, G>T. VCF-style: chr3-136327733-G-T. GRCh37 (hg19) VCF-style: chr3-136046575-G-T.
Other names: c.1458+1G>T (NM_001178014.2).
Identifiers: ClinVar variation 194181 (VCV000194181.23), dbSNP rs794727092, ClinGen allele CA278500.